The following is an entry in ClinVar:

NM_001199107.2(TBC1D24):c.404C>T (p.Pro135Leu)

Gene: TBC1D24 (TBC1 domain family member 24; plus strand). Cytogenetic location: 16p13.3.
Variant type: single nucleotide variant.
Coding change: c.404C>T on transcript NM_001199107.2 (MANE Select); coding-DNA position 404, C replaced by T.
Protein change: p.Pro135Leu; replaces proline 135 with leucine.
Molecular consequence: missense variant.
Genome position (GRCh38, 1-based): chr16:2,496,552, C>T. VCF-style: chr16-2496552-C-T. GRCh37 (hg19) VCF-style: chr16-2546553-C-T.
Other names: c.404C>T, p.Pro135Leu (NM_020705.3); short protein forms P135L.
Identifiers: ClinVar variation 375708 (VCV000375708.13), dbSNP rs1057519630, ClinGen allele CA16044430.
Genomic context (GRCh38, chr16:2,496,552, plus strand): 5'-GCAAGATCCTCCTGTGCCTGGCCAACCAGTTCCCCGACATCTCCTTCTGCCCCGCCCTGC[C>T]GGCCGTGGTGGCCCTGCTGCTGCACTACAGCATCGACGAGGCCGAGTGCTTCGAGAAGGC-3'
Protein context (NP_001186036.1, residues 125-145): FPDISFCPAL[Pro135Leu]AVVALLLHYS

ClinVar aggregate classification (germline): Conflicting classifications of pathogenicity. Review status: criteria provided, conflicting classifications (1 of 4 stars). 7 submissions from 6 submitters: Likely pathogenic (2); Uncertain significance (2). 3 of the submissions do not count toward it. Last evaluated 2026-06-01.

Conditions:
Inborn genetic diseases. Identifiers: MedGen C0950123, MeSH D030342.
Autosomal dominant epilepsy.
Caused by mutation in the TBC1 domain family, member 24.
Developmental and epileptic encephalopathy, 1 (DEE1). Also called: OHTAHARA SYNDROME, X-LINKED; X-linked infantile spasms; West's syndrome; Tonic spasms with clustering, arrest of psychomotor development and hypsarrhythmia on EEG; X-Linked Infantile Spasm Syndrome; Epileptic encephalopathy, early infantile, 1. Identifiers: MedGen C3463992, MONDO:0010632, OMIM 308350. Disease mechanism: loss of function.
Autosomal dominant nonsyndromic hearing loss 65. Also called: TBC1D24-Related Autosomal Dominant Nonsyndromic Hearing Loss (DFNA); Deafness, autosomal dominant 65. Identifiers: Orphanet 90635, MedGen C3892048, MONDO:0014470, OMIM 616044.
DOORS syndrome (DOORS). Also called: DEAFNESS, ONYCHODYSTROPHY, OSTEODYSTROPHY, IMPAIRED INTELLECTUAL DEVELOPMENT, AND SEIZURES SYNDROME; Digitorenocerebral syndrome; DOORS Syndrome (Deafness, Onychodystrophy, Osteodystrophy, Mental Retardation, and Seizures); DRC SYNDROME; BRACHYDACTYLY DUE TO ABSENCE OF DISTAL PHALANGES; ERONEN SYNDROME. Identifiers: Orphanet 3231, Orphanet 79500, MedGen C0795934, MONDO:0009079, OMIM 220500. Disease mechanism: loss of function.
Parkinsonian disorder. Also called: Parkinsonism. Identifiers: MedGen C0242422, MONDO:0021095, HP:0001300.

Allele frequency attached by ClinVar (database versions not stated): gnomAD exomes below 0.00001; TOPMed below 0.00001.
gnomAD v4.1: 6 of 1,608,544 alleles (0.00037%); highest among the groups gnomAD compares: South Asian, 0.0022%; no homozygotes.

Submissions (7):

CeGaT Center for Human Genetics Tuebingen
Classification: Uncertain significance. Last evaluated: 2026-06-01. Review status: criteria provided, single submitter. Criteria: CeGaT Center For Human Genetics Tuebingen Variant Classification Criteria Version 2. Collection method: clinical testing. Allele origin: germline. Affected: yes. Observed: 1 variant allele.
Comment: TBC1D24: PM2

GeneDx
Classification: Likely pathogenic. Last evaluated: 2026-03-19. Review status: criteria provided, single submitter. Criteria: GeneDx Variant Classification Process June 2021. Collection method: clinical testing. Allele origin: germline.
Comment: Not observed at significant frequency in large population cohorts (gnomAD); In silico analysis supports that this missense variant has a deleterious effect on protein structure/function; This variant is associated with the following publications: (PMID: 28663785, 30180405, 34020146, 33063868, 31112829, 38074073)

Ambry Genetics
Classification: Uncertain significance for Inborn genetic diseases. Last evaluated: 2023-04-03. Review status: criteria provided, single submitter. Criteria: Ambry Variant Classification Scheme 2023. Collection method: clinical testing. Allele origin: germline.

Labcorp Genetics (formerly Invitae), Labcorp
Classification: Likely pathogenic for Developmental and epileptic encephalopathy, 1; Autosomal dominant nonsyndromic hearing loss 65. Last evaluated: 2022-02-05. Review status: criteria provided, single submitter. Criteria: Invitae Variant Classification Sherloc (09022015). Collection method: clinical testing. Allele origin: germline.
Comment: This sequence change replaces proline, which is neutral and non-polar, with leucine, which is neutral and non-polar, at codon 135 of the TBC1D24 protein (p.Pro135Leu). The frequency data for this variant in the population databases is considered unreliable, as metrics indicate poor data quality at this position in the gnomAD database. This missense change has been observed in individual(s) with clinical features of autosomal recessive TBC1D24-related conditions (PMID: 28663785, 31112829). In at least one individual the data is consistent with being in trans (on the opposite chromosome) from a pathogenic variant. ClinVar contains an entry for this variant (Variation ID: 375708). Advanced modeling of protein sequence and biophysical properties (such as structural, functional, and spatial information, amino acid conservation, physicochemical variation, residue mobility, and thermodynamic stability) performed at Invitae indicates that this missense variant is expected to disrupt TBC1D24 protein function. In summary, the currently available evidence indicates that the variant is pathogenic, but additional data are needed to prove that conclusively. Therefore, this variant has been classified as Likely Pathogenic.

Tgen's Center for Rare Childhood Disorders, Translational Genomics Research Institute (tgen)
Classification: Pathogenic for Parkinsonian disorder. Last evaluated: 2017-01-10. Review status: no assertion criteria provided. Collection method: clinical testing. Allele origin: germline. Inheritance: Autosomal recessive inheritance. Affected: yes. Observed: 1 compound heterozygote. Segregation with disease observed. Not counted in ClinVar's aggregate classification.

Tgen's Center for Rare Childhood Disorders, Translational Genomics Research Institute (tgen)
Classification: Pathogenic for Autosomal dominant epilepsy. Last evaluated: 2017-01-10. Review status: no assertion criteria provided. Collection method: clinical testing. Allele origin: paternal, maternal. Inheritance: Autosomal dominant inheritance. Affected: yes. Observed: 2 heterozygotes. Segregation with disease observed. Not counted in ClinVar's aggregate classification.

GeneReviews
No classification provided. Condition: DOORS syndrome. Review status: no classification provided. Collection method: literature only. Allele origin: germline. Not counted in ClinVar's aggregate classification.

Literature cited by the submitters: PubMed 3402014 (cited by Ambry Genetics); PubMed 28663785 (cited by Ambry Genetics and Labcorp Genetics (formerly Invitae), Labcorp); PubMed 31112829 (cited by Ambry Genetics and Labcorp Genetics (formerly Invitae), Labcorp); PubMed 33063868 (cited by Ambry Genetics); PubMed 34020146 (cited by Ambry Genetics); PubMed 27541164 (cited by Tgen's Center for Rare Childhood Disorders, Translational Genomics Research Institute (tgen)); NCBI Bookshelf NBK274566 (cited by GeneReviews).